The following is an entry in ClinVar:

NM_000535.7(PMS2):c.2509A>G (p.Met837Val)

Gene: PMS2 (PMS1 homolog 2, mismatch repair system component; minus strand). Cytogenetic location: 7p22.1.
Variant type: single nucleotide variant.
Coding change: c.2509A>G on transcript NM_000535.7 (MANE Select); coding-DNA position 2509, A replaced by G.
Protein change: p.Met837Val; replaces methionine 837 with valine.
Molecular consequence: missense variant. On other transcripts: non-coding transcript variant (1).
Genome position (GRCh38, 1-based): chr7:5,973,479, T>C on the plus strand (A>G on the coding strand, the complement: PMS2 is on the minus strand). VCF-style: chr7-5973479-T-C. GRCh37 (hg19) VCF-style: chr7-6013110-T-C.
Other names: c.2401A>G, p.Met801Val (NM_001406869.1); c.2386A>G, p.Met796Val (NM_001406870.1); c.2365A>G, p.Met789Val (NM_001406871.1); c.2341A>G, p.Met781Val (NM_001406872.1, NM_001406874.1); c.2311A>G, p.Met771Val (NM_001406873.1); c.2233A>G, p.Met745Val (NM_001406875.1); c.2224A>G, p.Met742Val (NM_001406876.1); c.2200A>G, p.Met734Val (NM_001406877.1, NM_001322015.2, NM_001406878.1 and 4 more transcripts); and 20 more; short protein forms M436V, M526V, M580V, M598V, M646V, M650V, M666V, M675V.
Identifiers: ClinVar variation 2677922 (VCV002677922.4), dbSNP rs1583269633, ClinGen allele CA366734906.
Genomic context (GRCh38, chr7:5,973,479, plus strand): 5'-CCAGGTTGGCGATGTGTCTCATGGTTGGCCTTCCATGGGGACAGTTCCAGGGGTGGTCCA[T>C]CTCCCCCATGTGGGTGATCAGTTTCTTCATCTCGCTTGTGTTAAGAGCAGTCCCAATCAT-3'
Protein context (NP_000526.2, residues 827-847): MKKLITHMGE[Met837Val]DHPWNCPHGR

ClinVar aggregate classification (germline): Uncertain significance. Review status: criteria provided, multiple submitters, no conflicts (2 of 4 stars). 2 submissions from 2 submitters: Uncertain significance (2). Last evaluated 2023-07-08.

Conditions:
Hereditary nonpolyposis colorectal neoplasms. Identifiers: MedGen C0009405, MeSH D003123.
Lynch syndrome 4 (LYNCH4). Also called: Colorectal cancer, hereditary nonpolyposis, type 4; Hereditary non-polyposis colorectal cancer, type 4. Identifiers: Orphanet 144, MedGen C1838333, MONDO:0013699, OMIM 614337. Disease mechanism: loss of function.

Submissions (2):

Labcorp Genetics (formerly Invitae), Labcorp
Classification: Uncertain significance for Hereditary nonpolyposis colorectal neoplasms. Last evaluated: 2023-07-08. Review status: criteria provided, single submitter. Criteria: Invitae Variant Classification Sherloc (09022015). Collection method: clinical testing. Allele origin: germline.
Comment: Advanced modeling of protein sequence and biophysical properties (such as structural, functional, and spatial information, amino acid conservation, physicochemical variation, residue mobility, and thermodynamic stability) performed at Invitae indicates that this missense variant is expected to disrupt PMS2 protein function. This sequence change replaces methionine, which is neutral and non-polar, with valine, which is neutral and non-polar, at codon 837 of the PMS2 protein (p.Met837Val). The frequency data for this variant in the population databases (gnomAD) is considered unreliable due to the presence of homologous sequence, such as pseudogenes or paralogs, in the genome. This variant has not been reported in the literature in individuals affected with PMS2-related conditions. In summary, the available evidence is currently insufficient to determine the role of this variant in disease. Therefore, it has been classified as a Variant of Uncertain Significance.

Baylor Genetics
Classification: Uncertain significance for Lynch syndrome 4. Last evaluated: 2023-05-08. Review status: criteria provided, single submitter. Criteria: ACMG Guidelines, 2015. Collection method: clinical testing. Allele origin: unknown.